The following is an entry in ClinVar:

ClinVar aggregate classification (germline): Likely benign. Review status: criteria provided, multiple submitters, no conflicts (2 of 4 stars). 2 submissions from 2 submitters: Likely benign (2). Last evaluated 2025-04-11.

Allele frequency attached by ClinVar (database versions not stated): gnomAD exomes 0.00001 and 0.00002; TOPMed 0.00001; gnomAD 0.00002.
gnomAD v4.1: 34 of 1,613,842 alleles (0.0021%); highest among the groups gnomAD compares: Non-Finnish European, 0.0025%; no homozygotes.

Submissions (2):

Labcorp Genetics (formerly Invitae), Labcorp
Classification: Likely benign. Last evaluated: 2025-04-11. Review status: criteria provided, single submitter. Criteria: Invitae Variant Classification Sherloc (09022015). Collection method: clinical testing. Allele origin: germline.

CeGaT Center for Human Genetics Tuebingen
Classification: Likely benign. Last evaluated: 2023-07-01. Review status: criteria provided, single submitter. Criteria: CeGaT Center For Human Genetics Tuebingen Variant Classification Criteria Version 2. Collection method: clinical testing. Allele origin: germline. Affected: yes. Observed: 1 variant allele.
Comment: RTTN: BP4, BP7

NM_173630.4(RTTN):c.5259A>G (p.Lys1753=)

Gene: RTTN (rotatin; minus strand). Cytogenetic location: 18q22.2.
Variant type: single nucleotide variant.
Coding change: c.5259A>G on transcript NM_173630.4 (MANE Select); coding-DNA position 5259, A replaced by G.
Protein change: p.Lys1753=; no amino-acid change (lysine 1753 retained).
Molecular consequence: synonymous variant.
Genome position (GRCh38, 1-based): chr18:70,051,475, T>C on the plus strand (A>G on the coding strand, the complement: RTTN is on the minus strand). VCF-style: chr18-70051475-T-C. GRCh37 (hg19) VCF-style: chr18-67718711-T-C.
Other names: c.2523A>G, p.Lys841= (NM_001318520.2).
Identifiers: ClinVar variation 713024 (VCV000713024.29), dbSNP rs1218745291, ClinGen allele CA504319985.